The following is an entry in ClinVar:

NM_003289.4(TPM2):c.763G>A (p.Asp255Asn)

Gene: TPM2 (tropomyosin 2; minus strand). Cytogenetic location: 9p13.3.
Variant type: single nucleotide variant.
Coding change: c.763G>A on transcript NM_003289.4 (MANE Select); coding-DNA position 763, G replaced by A.
Protein change: p.Asp255Asn; replaces aspartic acid 255 with asparagine.
Molecular consequence: missense variant.
Genome position (GRCh38, 1-based): chr9:35,684,255, C>T on the plus strand (G>A on the coding strand, the complement: TPM2 is on the minus strand). VCF-style: chr9-35684255-C-T. GRCh37 (hg19) VCF-style: chr9-35684252-C-T.
Other names: c.763G>A, p.Asp255Asn (NM_001301226.2, NM_001301227.2, NM_213674.1); short protein forms D255N.
Identifiers: ClinVar variation 3658216 (VCV003658216.2).

ClinVar aggregate classification (germline): Uncertain significance (1 of 4 stars; one submission).

Conditions:
Arthrogryposis, distal, type 1A. Also called: ARTHROGRYPOSIS MULTIPLEX CONGENITA, DISTAL, TYPE I. Identifiers: Orphanet 1146, MedGen C6022280, MONDO:0007157, OMIM 108120.

Submission:

Labcorp Genetics (formerly Invitae), Labcorp
Classification: Uncertain significance for Arthrogryposis, distal, type 1A. Last evaluated: 2024-06-29. Review status: criteria provided, single submitter. Criteria: Invitae Variant Classification Sherloc (09022015). Collection method: clinical testing. Allele origin: germline.
Comment: This sequence change replaces aspartic acid, which is acidic and polar, with asparagine, which is neutral and polar, at codon 255 of the TPM2 protein (p.Asp255Asn). This variant is not present in population databases (gnomAD no frequency). This variant has not been reported in the literature in individuals affected with TPM2-related conditions. Advanced modeling of protein sequence and biophysical properties (such as structural, functional, and spatial information, amino acid conservation, physicochemical variation, residue mobility, and thermodynamic stability) performed at Invitae indicates that this missense variant is not expected to disrupt TPM2 protein function with a negative predictive value of 80%. In summary, the available evidence is currently insufficient to determine the role of this variant in disease. Therefore, it has been classified as a Variant of Uncertain Significance.